The following is an entry in ClinVar:

NM_001903.5(CTNNA1):c.*10G>C

Gene: CTNNA1 (catenin alpha 1; plus strand). Cytogenetic location: 5q31.2.
Variant type: single nucleotide variant.
Coding change: c.*10G>C on transcript NM_001903.5 (MANE Select); 10 bases downstream of the stop codon, G replaced by C.
Molecular consequence: 3 prime UTR variant.
Genome position (GRCh38, 1-based): chr5:138,934,099, G>C. VCF-style: chr5-138934099-G-C. GRCh37 (hg19) VCF-style: chr5-138269788-G-C.
Other names: c.*10G>C (NM_001324009.1, NM_001324010.1, NM_001324011.1 and 28 more transcripts); c.*276G>C (NM_001290307.3, NM_001324002.1, NM_001324003.1 and 2 more transcripts).
Identifiers: ClinVar variation 3773244 (VCV003773244.1).

ClinVar aggregate classification (germline): Benign (1 of 4 stars; one submission).

Conditions:
Hereditary diffuse gastric adenocarcinoma (HDGC). Also called: DIFFUSE GASTRIC AND LOBULAR BREAST CANCER SYNDROME. Identifiers: Orphanet 26106, MedGen C1708349, MONDO:0007648, OMIM 137215.

gnomAD v4.1: 7 of 1,604,130 alleles (0.00044%); highest among the groups gnomAD compares: Non-Finnish European, 0.0006%; no homozygotes.

Submission:

Myriad Genetics, Inc.
Classification: Benign for Hereditary diffuse gastric adenocarcinoma. Last evaluated: 2024-10-16. Review status: criteria provided, single submitter. Criteria: Myriad Autosomal Dominant, Autosomal Recessive and X-Linked Classification Criteria (2023). Collection method: clinical testing. Allele origin: unknown.
Comment: This variant is considered benign. This variant occurs in the non-coding 3' untranslated region of the gene, and is not expected to impact protein function.